The following is an entry in ClinVar:

NM_001378454.1(ALMS1):c.10723G>A (p.Gly3575Arg)

Gene: ALMS1 (ALMS1 centrosome and basal body associated protein; plus strand). Cytogenetic location: 2p13.1.
Variant type: single nucleotide variant.
Coding change: c.10723G>A on transcript NM_001378454.1 (MANE Select); coding-DNA position 10723, G replaced by A.
Protein change: p.Gly3575Arg; replaces glycine 3575 with arginine.
Molecular consequence: missense variant.
Genome position (GRCh38, 1-based): chr2:73,572,600, G>A. VCF-style: chr2-73572600-G-A. GRCh37 (hg19) VCF-style: chr2-73799727-G-A.
Other names: c.10726G>A, p.Gly3576Arg (NM_015120.4); short protein forms G3576R, G3575R.
Identifiers: ClinVar variation 663512 (VCV000663512.11), dbSNP rs752099349, ClinGen allele CA1715047.

ClinVar aggregate classification (germline): Conflicting classifications of pathogenicity. Review status: criteria provided, conflicting classifications (1 of 4 stars). 4 submissions from 4 submitters: Uncertain significance (3); Likely benign (1). Last evaluated 2026-09-03.

Conditions:
Cardiovascular phenotype. Identifiers: MedGen CN230736.
Alstrom syndrome (ALMS). Identifiers: Orphanet 64, MedGen C0268425, MONDO:0008763, OMIM 203800.

Allele frequency attached by ClinVar (database versions not stated): gnomAD exomes 0.00001 and below 0.00001; TOPMed 0.00001; ExAC 0.00001.
gnomAD v4.1: 1 of 1,613,862 alleles (0.000062%); highest among the groups gnomAD compares: African/African-American, 0.0013%; no homozygotes.

Submissions (4):

GeneDx
Classification: Uncertain significance. Last evaluated: 2026-09-03. Review status: criteria provided, single submitter. Criteria: GeneDx Variant Classification Process June 2021. Collection method: clinical testing. Allele origin: germline.
Comment: Not observed at significant frequency in large population cohorts (gnomAD); In silico analysis suggests that this missense variant does not alter protein structure/function; Has not been previously published as pathogenic or benign to our knowledge

Ambry Genetics
Classification: Likely benign for Cardiovascular phenotype. Last evaluated: 2026-05-20. Review status: criteria provided, single submitter. Criteria: Ambry Variant Classification Scheme 2023. Collection method: clinical testing. Allele origin: germline.

Labcorp Genetics (formerly Invitae), Labcorp
Classification: Uncertain significance for Alstrom syndrome. Last evaluated: 2025-10-14. Review status: criteria provided, single submitter. Criteria: Invitae Variant Classification Sherloc (09022015). Collection method: clinical testing. Allele origin: germline.
Comment: This sequence change replaces glycine, which is neutral and non-polar, with arginine, which is basic and polar, at codon 3576 of the ALMS1 protein (p.Gly3576Arg). This variant is present in population databases (rs752099349, gnomAD 0.007%). This variant has not been reported in the literature in individuals affected with ALMS1-related conditions. ClinVar contains an entry for this variant (Variation ID: 663512). An algorithm developed to predict the effect of missense changes on protein structure and function outputs the following: PolyPhen-2: "Not Available". The arginine amino acid residue is found in multiple mammalian species, which suggests that this missense change does not adversely affect protein function. In summary, the available evidence is currently insufficient to determine the role of this variant in disease. Therefore, it has been classified as a Variant of Uncertain Significance.

Fulgent Genetics
Classification: Uncertain significance for Alstrom syndrome. Last evaluated: 2021-12-28. Review status: criteria provided, single submitter. Criteria: ACMG Guidelines, 2015. Collection method: clinical testing. Allele origin: unknown.